The following is an entry in ClinVar:

ClinVar aggregate classification (germline): Uncertain significance (1 of 4 stars; one submission).

Conditions:
Inborn genetic diseases. Identifiers: MedGen C0950123, MeSH D030342.

Submission:

Ambry Genetics
Classification: Uncertain significance for Inborn genetic diseases. Last evaluated: 2025-07-17. Review status: criteria provided, single submitter. Criteria: Ambry Variant Classification Scheme 2023. Collection method: clinical testing. Allele origin: germline.
Comment: The p.Q414H variant (also known as c.1242A>C), located in coding exon 7 of the ERCC6L2 gene, results from an A to C substitution at nucleotide position 1242. The glutamine at codon 414 is replaced by histidine, an amino acid with highly similar properties. This amino acid position is conserved. In addition, this alteration is predicted to be tolerated by in silico analysis. Based on the available evidence, the clinical significance of this variant remains unclear.

NM_020207.7(ERCC6L2):c.1242A>C (p.Gln414His)

Gene: ERCC6L2 (ERCC excision repair 6 like 2; plus strand). Cytogenetic location: 9q22.32.
Variant type: single nucleotide variant.
Coding change: c.1242A>C on transcript NM_020207.7 (MANE Select); coding-DNA position 1242, A replaced by C.
Protein change: p.Gln414His; replaces glutamine 414 with histidine.
Molecular consequence: missense variant. On other transcripts: non-coding transcript variant (1).
Genome position (GRCh38, 1-based): chr9:95,921,258, A>C. VCF-style: chr9-95921258-A-C. GRCh37 (hg19) VCF-style: chr9-98683540-A-C.
Other names: c.1242A>C, p.Gln414His (NM_001010895.4, NM_001375291.1, NM_001375292.1 and 2 more transcripts); short protein forms Q414H.
Identifiers: ClinVar variation 4250585 (VCV004250585.1).